The following is an entry in ClinVar:

ClinVar aggregate classification (germline): Pathogenic/Likely pathogenic. Review status: criteria provided, multiple submitters, no conflicts (2 of 4 stars). 2 submissions from 2 submitters: Pathogenic (1); Likely pathogenic (1). Last evaluated 2025-07-21.

Conditions:
Usher syndrome. Also called: Usher Syndromes; Usher's syndrome. Identifiers: Orphanet 886, MedGen CN469326, MeSH D052245, MONDO:0019501. Disease mechanism: loss of function.

Allele frequency attached by ClinVar (database versions not stated): gnomAD exomes below 0.00001; TOPMed below 0.00001.
gnomAD v4.1: 2 of 1,612,828 alleles (0.00012%); highest among the groups gnomAD compares: Non-Finnish European, 0.000085%; no homozygotes.

Submissions (2):

Women's Health and Genetics/Laboratory Corporation of America, LabCorp
Classification: Likely pathogenic for Usher syndrome. Last evaluated: 2025-07-21. Review status: criteria provided, single submitter. Criteria: LabCorp Variant Classification Summary - May 2015. Collection method: clinical testing. Allele origin: germline.
Comment: Variant summary: USH2A c.9428A>G (p.Tyr3143Cys) results in a non-conservative amino acid change located in the Fibronectin type III (IPR003961) of the encoded protein sequence. Algorithms developed to predict the effect of missense changes on protein structure and function all suggest that this variant is likely to be disruptive. The variant was absent in 250212 control chromosomes. c.9428A>G has been observed in individuals affected with retinitis pigmentosa or retinal dystrophy (e.g., Schlottmann_2023, internal data) . These data indicate that the variant is likely to be associated with disease. To our knowledge, no experimental evidence demonstrating an impact on protein function has been reported. The following publication has been ascertained in the context of this evaluation (PMID: 37217489). ClinVar contains an entry for this variant (Variation ID: 1375709). Based on the evidence outlined above, the variant was classified as likely pathogenic.

Labcorp Genetics (formerly Invitae), Labcorp
Classification: Pathogenic. Last evaluated: 2025-03-18. Review status: criteria provided, single submitter. Criteria: Invitae Variant Classification Sherloc (09022015). Collection method: clinical testing. Allele origin: germline.
Comment: This sequence change replaces tyrosine, which is neutral and polar, with cysteine, which is neutral and slightly polar, at codon 3143 of the USH2A protein (p.Tyr3143Cys). This variant is not present in population databases (gnomAD no frequency). This missense change has been observed in individual(s) with inherited retinal dystrophy (PMID: 37217489; internal data). In at least one individual the data is consistent with being in trans (on the opposite chromosome) from a pathogenic variant. It has also been observed to segregate with disease in related individuals. ClinVar contains an entry for this variant (Variation ID: 1375709). Invitae Evidence Modeling of protein sequence and biophysical properties (such as structural, functional, and spatial information, amino acid conservation, physicochemical variation, residue mobility, and thermodynamic stability) has been performed for this missense variant. However, the output from this modeling did not meet the statistical confidence thresholds required to predict the impact of this variant on USH2A protein function. For these reasons, this variant has been classified as Pathogenic.

Literature cited by the submitters: PubMed 37217489 (cited by Women's Health and Genetics/Laboratory Corporation of America, LabCorp and Labcorp Genetics (formerly Invitae), Labcorp).

NM_206933.4(USH2A):c.9428A>G (p.Tyr3143Cys)

Gene: USH2A (usherin; minus strand). Cytogenetic location: 1q41.
Variant type: single nucleotide variant.
Coding change: c.9428A>G on transcript NM_206933.4 (MANE Select); coding-DNA position 9428, A replaced by G.
Protein change: p.Tyr3143Cys; replaces tyrosine 3143 with cysteine.
Molecular consequence: missense variant.
Genome position (GRCh38, 1-based): chr1:215,817,139, T>C on the plus strand (A>G on the coding strand, the complement: USH2A is on the minus strand). VCF-style: chr1-215817139-T-C. GRCh37 (hg19) VCF-style: chr1-215990481-T-C.
Other names: short protein forms Y3143C.
Identifiers: ClinVar variation 1375709 (VCV001375709.7), dbSNP rs1662881745, ClinGen allele CA344825192.